The following is an entry in ClinVar:

NM_001267550.2(TTN):c.78369_78376dup (p.Glu26126delinsAlaLeuTer)

Genes: TTN-AS1 (TTN antisense RNA 1; plus strand), TTN (titin; minus strand). Cytogenetic location: 2q31.2.
Variant type: Duplication.
Coding change: c.78369_78376dup on transcript NM_001267550.2 (MANE Select); coding-DNA positions 78369 to 78376, 8 bases duplicated (CATTGTAG; older notation c.78369_78376dupCATTGTAG).
Protein change: p.Glu26126delinsAlaLeuTer.
Molecular consequence: nonsense.
Genome position (GRCh38, 1-based): chr2:178,567,756-178,567,763, CTACAATG duplicated on the plus strand (CATTGTAG on the coding strand, the reverse complement: TTN is on the minus strand). VCF-style (leftmost placement, unchanged base first): chr2-178567755-T-TCTACAATG. GRCh37 (hg19) VCF-style: chr2-179432482-T-TCTACAATG.
Other names: p.Glu26126Alafs*3; c.73446_73453dup, p.Glu24485delinsAlaLeuTer (NM_001256850.1); c.51174_51181dup, p.Glu17061delinsAlaLeuTer (NM_003319.4); c.70665_70672dup, p.Glu23558delinsAlaLeuTer (NM_133378.4); c.51549_51556dup, p.Glu17186delinsAlaLeuTer (NM_133432.3); c.51750_51757dup, p.Glu17253delinsAlaLeuTer (NM_133437.4); c.78369_78376dupCATTGTAG (NM_001267550.2).
Identifiers: ClinVar variation 3063598 (VCV003063598.1), dbSNP rs2468335422, ClinGen allele CA2740096333.

ClinVar aggregate classification (germline): Likely pathogenic (1 of 4 stars; one submission).

Conditions:
Dilated cardiomyopathy 1G (CMD1G). Identifiers: Orphanet 154, MedGen C1858763, MONDO:0011400, OMIM 604145.

Submission:

Clinical Genomics Laboratory, Stanford Medicine
Classification: Likely pathogenic for Dilated cardiomyopathy 1G. Last evaluated: 2021-06-04. Review status: criteria provided, single submitter. Criteria: ACMG Guidelines, 2015. Collection method: clinical testing. Allele origin: germline. Affected: yes. Observed: 1 heterozygote.
Comment: • The p.Glu26126Alafs*3 variant in the TTN gene has not been previously reported in association with disease. • This variant was absent from large population databases, including the Genome Aggregation Database. • This variant results in a 8bp insertion, which causes a shift in the protein reading frame, leading to a premature termination codon 3 amino acids downstream. Heterozygous loss of function is an established mechanism of disease for the TTN gene. • The p.Glu26126Alafs*3 variant is located in the A-band of the titin protein. Other pathogenic and likely pathogenic truncating variants have been described in the A-band. • These data were assessed using the ACMG/AMP variant interpretation guidelines. In summary, there is sufficient evidence to classify the p.Glu26126Alafs*3 variant as likely pathogenic for dilated cardiomyopathy in an autosomal dominant manner based on the information above. [ACMG evidence codes used: PVS1_strong; PM2]